The following is an entry in ClinVar:

NM_000552.5(VWF):c.1794C>T (p.Ala598=)

Gene: VWF (von Willebrand factor; minus strand). Cytogenetic location: 12p13.31.
Variant type: single nucleotide variant.
Coding change: c.1794C>T on transcript NM_000552.5 (MANE Select); coding-DNA position 1794, C replaced by T.
Protein change: p.Ala598=; no amino-acid change (alanine 598 retained).
Molecular consequence: synonymous variant.
Genome position (GRCh38, 1-based): chr12:6,057,008, G>A on the plus strand (C>T on the coding strand, the complement: VWF is on the minus strand). VCF-style: chr12-6057008-G-A. GRCh37 (hg19) VCF-style: chr12-6166174-G-A.
Other names: p.Ala598=; c.1794C>T (NM_000552.4).
Identifiers: ClinVar variation 310080 (VCV000310080.18), dbSNP rs35302737, ClinGen allele CA6403261.

ClinVar aggregate classification (germline): Benign/Likely benign. Review status: criteria provided, multiple submitters, no conflicts (2 of 4 stars). 7 submissions from 5 submitters: Benign (6); Likely benign (1). Last evaluated 2025-07-22.

Conditions:
von Willebrand disease type 1 (VWD1). Also called: VWD, TYPE 1; VON WILLEBRAND DISEASE, TYPE I. Identifiers: Orphanet 166078, Orphanet 903, MedGen C1264039, MONDO:0008668, OMIM 193400. Inheritance: autosomal recessive or autosomal dominant.
von Willebrand disease type 3 (VWD3). Also called: Type 3 Von Willebrand's disease; Type 3 VWD; Von Willebrand disease, severe form; V WD3; VON WILLEBRAND DISEASE, TYPE III. Identifiers: Orphanet 166096, MedGen C1264041, MONDO:0010191, OMIM 277480.
von Willebrand disease type 2 (VWD2). Also called: VON WILLEBRAND DISEASE, TYPE 2A/IIE; VON WILLEBRAND DISEASE, TYPE 2CB; VWD, TYPE 2; VON WILLEBRAND DISEASE, TYPE II. Identifiers: Orphanet 166081, Orphanet 903, MedGen C1264040, MONDO:0013304, OMIM 613554.

Allele frequency attached by ClinVar (database versions not stated): gnomAD 0.01958 and 0.02100; ESP Exome Variant Server 0.02039; 1000 Genomes Project 0.02057; TOPMed 0.02075; 1000 Genomes Project 30x 0.02108.
gnomAD v4.1: 6,133 of 1,549,318 alleles (0.4%); highest among the groups gnomAD compares: African/African-American, 6.5%; 160 homozygotes.

Submissions (7):

ARUP Laboratories, Molecular Genetics and Genomics, ARUP Laboratories
Classification: Benign. Last evaluated: 2025-07-22. Review status: criteria provided, single submitter. Criteria: ARUP Molecular Germline Variant Investigation Process 2024. Collection method: clinical testing. Allele origin: germline.

Mayo Clinic Laboratories, Mayo Clinic
Classification: Benign. Last evaluated: 2022-04-05. Review status: criteria provided, single submitter. Criteria: ACMG Guidelines, 2015. Collection method: clinical testing. Allele origin: germline. Observed: 8 variant alleles.
Comment: BS1, BS2

Genome-Nilou Lab
Classification: Benign for von Willebrand disease type 1. Last evaluated: 2021-12-05. Review status: criteria provided, single submitter. Criteria: ACMG Guidelines, 2015. Collection method: clinical testing. Allele origin: germline. Affected: no.

Genome-Nilou Lab
Classification: Benign for von Willebrand disease type 3. Last evaluated: 2021-12-05. Review status: criteria provided, single submitter. Criteria: ACMG Guidelines, 2015. Collection method: clinical testing. Allele origin: germline. Affected: no.

Genome-Nilou Lab
Classification: Benign for von Willebrand disease type 2. Last evaluated: 2021-12-05. Review status: criteria provided, single submitter. Criteria: ACMG Guidelines, 2015. Collection method: clinical testing. Allele origin: germline. Affected: no.

Quest Diagnostics Nichols Institute San Juan Capistrano
Classification: Benign. Last evaluated: 2019-07-08. Review status: criteria provided, single submitter. Criteria: Quest Diagnostics criteria. Collection method: clinical testing. Allele origin: unknown.

Breakthrough Genomics
Classification: Likely benign. Review status: criteria provided, single submitter. Criteria: ACMG Guidelines, 2015. Collection method: not provided. Allele origin: germline. Inheritance: Autosomal recessive inheritance. Affected: yes.